The following is an entry in ClinVar:

NM_004145.4(MYO9B):c.5901T>C (p.Ile1967=)

Gene: MYO9B (myosin IXB; plus strand). Cytogenetic location: 19p13.11.
Variant type: single nucleotide variant.
Coding change: c.5901T>C on transcript NM_004145.4 (MANE Select); coding-DNA position 5901, T replaced by C.
Protein change: p.Ile1967=; no amino-acid change (isoleucine 1967 retained).
Molecular consequence: synonymous variant.
Genome position (GRCh38, 1-based): chr19:17,210,819, T>C. VCF-style: chr19-17210819-T-C. GRCh37 (hg19) VCF-style: chr19-17321628-T-C.
Other names: c.5901T>C, p.Ile1967= (NM_001130065.2).
Identifiers: ClinVar variation 3042226 (VCV003042226.2), dbSNP rs114482091, ClinGen allele CA9288737.
Genomic context (GRCh38, chr19:17,210,819, plus strand): 5'-GGTGCTGCTGGAGGAGGAGGCAGCCGGCGGCGATGAGGACCGGGAAAAGGAGATTCTCAT[T>C]GAACGGATCCAGTCCATCAAGGAGGAGAAGCAAGTGGCTCAGTCCCCTCCCTCAGTCCTT-3'
Protein context (NP_004136.2, residues 1957-1977): GDEDREKEIL[Ile1967=]ERIQSIKEEK

ClinVar aggregate classification (germline): Likely benign (0 of 4 stars; one submission).

Conditions:
MYO9B-related disorder. Also called: MYO9B-related condition.

Allele frequency attached by ClinVar (database versions not stated): ESP Exome Variant Server 0.00142; TOPMed 0.00152; 1000 Genomes Project 0.00200; 1000 Genomes Project 30x 0.00203.
gnomAD v4.1: 361 of 1,598,834 alleles (0.023%); highest among the groups gnomAD compares: African/African-American, 0.43%; no homozygotes.

Submission:

PreventionGenetics, part of Exact Sciences
Classification: Likely benign for MYO9B-related condition. Last evaluated: 2019-05-31. Review status: no assertion criteria provided. Collection method: clinical testing. Allele origin: germline.
Comment: This variant is classified as likely benign based on ACMG/AMP sequence variant interpretation guidelines (Richards et al. 2015 PMID: 25741868, with internal and published modifications).